The following is an entry in ClinVar:

NM_020822.2(KCNT1):c.-287A>G

Genes: KCNT1 (potassium sodium-activated channel subfamily T member 1; plus strand), SOHLH1 (spermatogenesis and oogenesis specific basic helix-loop-helix 1; minus strand). Cytogenetic location: 9q34.3.
Variant type: single nucleotide variant.
Coding change: c.-287A>G on transcript NM_020822.2; 287 bases upstream of the start codon, A replaced by G.
Genome position (GRCh38, 1-based): chr9:135,701,972, A>G. VCF-style: chr9-135701972-A-G. GRCh37 (hg19) VCF-style: chr9-138593818-A-G.
Identifiers: ClinVar variation 671737 (VCV000671737.3), dbSNP rs189726351, ClinGen allele CA201461090.
Genomic context (GRCh38, chr9:135,701,972, plus strand): 5'-GCCCTCCCAGGGGTGTAGGGCCCGGTGGCGGCGCGCTTGGGCTTTTCTAGCCATTGACGA[A>G]CCCCGTCCTGTTTTTCGGAGTTTTGAGGGCTCAGAGGGCCGCGGCGGGAGCGGATCGCCC-3'

ClinVar aggregate classification (germline): Likely benign (1 of 4 stars; one submission).

Allele frequency attached by ClinVar (database versions not stated): gnomAD 0.01405 and 0.01298; 1000 Genomes Project 0.01398; 1000 Genomes Project 30x 0.01452; TOPMed 0.01524.
gnomAD v4.1: 1,965 of 151,894 alleles (1.3%); highest among the groups gnomAD compares: African/African-American, 4.4%; 45 homozygotes.

Submission:

GeneDx
Classification: Likely benign. Last evaluated: 2018-06-19. Review status: criteria provided, single submitter. Criteria: GeneDx Variant Classification (06012015). Collection method: clinical testing. Allele origin: germline. Affected: yes.
Comment: This variant is considered likely benign or benign based on one or more of the following criteria: it is a conservative change, it occurs at a poorly conserved position in the protein, it is predicted to be benign by multiple in silico algorithms, and/or has population frequency not consistent with disease.